The following is an entry in ClinVar:

ClinVar aggregate classification (germline): Uncertain significance (1 of 4 stars; one submission).

gnomAD v4.1: 3 of 1,199,561 alleles (0.00025%); highest among the groups gnomAD compares: African/African-American, 0.0017%; no homozygotes.

Submission:

GeneDx
Classification: Uncertain significance. Last evaluated: 2024-10-25. Review status: criteria provided, single submitter. Criteria: GeneDx Variant Classification Process June 2021. Collection method: clinical testing. Allele origin: germline. Affected: yes.
Comment: Not observed at significant frequency in large population cohorts (gnomAD); In silico analysis indicates that this missense variant does not alter protein structure/function; Has not been previously published as pathogenic or benign to our knowledge

NM_014008.5(CCDC22):c.866A>G (p.Lys289Arg)

Gene: CCDC22 (CCC complex scaffolding subunit CCDC22; plus strand). Cytogenetic location: Xp11.23.
Variant type: single nucleotide variant.
Coding change: c.866A>G on transcript NM_014008.5 (MANE Select); coding-DNA position 866, A replaced by G.
Protein change: p.Lys289Arg; replaces lysine 289 with arginine.
Molecular consequence: missense variant.
Genome position (GRCh38, 1-based): chrX:49,246,882, A>G. VCF-style: chrX-49246882-A-G. GRCh37 (hg19) VCF-style: chrX-49103343-A-G.
Other names: short protein forms K289R.
Identifiers: ClinVar variation 3893356 (VCV003893356.1).